The following is an entry in ClinVar:

ClinVar aggregate classification (germline): Uncertain significance (1 of 4 stars; one submission).

Allele frequency attached by ClinVar (database versions not stated): gnomAD exomes below 0.00001.

Submission:

Labcorp Genetics (formerly Invitae), Labcorp
Classification: Uncertain significance. Last evaluated: 2021-11-12. Review status: criteria provided, single submitter. Criteria: Invitae Variant Classification Sherloc (09022015). Collection method: clinical testing. Allele origin: germline.
Comment: This sequence change replaces threonine, which is neutral and polar, with isoleucine, which is neutral and non-polar, at codon 1535 of the MCM3AP protein (p.Thr1535Ile). This variant is present in population databases (no rsID available, gnomAD 0.0009%). This variant has not been reported in the literature in individuals affected with MCM3AP-related conditions. Algorithms developed to predict the effect of missense changes on protein structure and function output the following: SIFT: "Tolerated"; PolyPhen-2: "Benign"; Align-GVGD: "Class C0". The isoleucine amino acid residue is found in multiple mammalian species, which suggests that this missense change does not adversely affect protein function. In summary, the available evidence is currently insufficient to determine the role of this variant in disease. Therefore, it has been classified as a Variant of Uncertain Significance.

NM_003906.5(MCM3AP):c.4604C>T (p.Thr1535Ile)

Genes: MCM3AP (minichromosome maintenance complex component 3 associated protein; minus strand), MCM3AP-AS1 (MCM3AP antisense RNA 1; plus strand). Cytogenetic location: 21q22.3.
Variant type: single nucleotide variant.
Coding change: c.4604C>T on transcript NM_003906.5 (MANE Select); coding-DNA position 4604, C replaced by T.
Protein change: p.Thr1535Ile; replaces threonine 1535 with isoleucine.
Molecular consequence: missense variant.
Genome position (GRCh38, 1-based): chr21:46,246,350, G>A on the plus strand (C>T on the coding strand, the complement: MCM3AP is on the minus strand). VCF-style: chr21-46246350-G-A. GRCh37 (hg19) VCF-style: chr21-47666264-G-A.
Other names: short protein forms T1535I.
Identifiers: ClinVar variation 1494855 (VCV001494855.3), dbSNP rs1482098391, ClinGen allele CA410544742.